The following is an entry in ClinVar:

ClinVar aggregate classification (germline): Conflicting classifications of pathogenicity. Review status: criteria provided, conflicting classifications (1 of 4 stars). 2 submissions from 2 submitters: Uncertain significance (1); Likely benign (1). Last evaluated 2025-10-31.

Conditions:
Neurofibromatosis, type 1 (NF1). Also called: NEUROFIBROMATOSIS, TYPE I, SOMATIC; Peripheral type neurofibromatosis; Neurofibromatosis, type I; VON RECKLINGHAUSEN DISEASE. Identifiers: Orphanet 636, MedGen C0027831, MONDO:0018975, OMIM 162200. Disease mechanism: loss of function.
Hereditary cancer-predisposing syndrome. Also called: Neoplastic Syndromes, Hereditary; Tumor predisposition; Hereditary Cancer Syndrome; Hereditary neoplastic syndrome. Identifiers: Orphanet 140162, MedGen C0027672, MeSH D009386, MONDO:0015356.
Cardiovascular phenotype. Identifiers: MedGen CN230736.

Submissions (2):

Labcorp Genetics (formerly Invitae), Labcorp
Classification: Uncertain significance for Neurofibromatosis, type 1. Last evaluated: 2025-10-31. Review status: criteria provided, single submitter. Criteria: Invitae Variant Classification Sherloc (09022015). Collection method: clinical testing. Allele origin: germline.
Comment: This sequence change replaces proline, which is neutral and non-polar, with leucine, which is neutral and non-polar, at codon 2495 of the NF1 protein (p.Pro2495Leu). This variant is not present in population databases (gnomAD no frequency). This variant has not been reported in the literature in individuals affected with NF1-related conditions. ClinVar contains an entry for this variant (Variation ID: 4119190). Invitae Evidence Modeling of protein sequence and biophysical properties (such as structural, functional, and spatial information, amino acid conservation, physicochemical variation, residue mobility, and thermodynamic stability) indicates that this missense variant is not expected to disrupt NF1 protein function with a negative predictive value of 95%. In summary, the available evidence is currently insufficient to determine the role of this variant in disease. Therefore, it has been classified as a Variant of Uncertain Significance.

Ambry Genetics
Classification: Likely benign for Cardiovascular phenotype; Hereditary cancer-predisposing syndrome. Last evaluated: 2025-09-12. Review status: criteria provided, single submitter. Criteria: Ambry Variant Classification Scheme 2023. Collection method: clinical testing. Allele origin: germline.

NM_001042492.3(NF1):c.7547C>T (p.Pro2516Leu)

Gene: NF1 (neurofibromin 1; plus strand). Cytogenetic location: 17q11.2.
Variant type: single nucleotide variant.
Coding change: c.7547C>T on transcript NM_001042492.3 (MANE Select); coding-DNA position 7547, C replaced by T.
Protein change: p.Pro2516Leu; replaces proline 2516 with leucine.
Molecular consequence: missense variant.
Genome position (GRCh38, 1-based): chr17:31,352,346, C>T. VCF-style: chr17-31352346-C-T. GRCh37 (hg19) VCF-style: chr17-29679364-C-T.
Other names: c.7484C>T, p.Pro2495Leu (NM_000267.4); short protein forms P2516L, P2495L.
Identifiers: ClinVar variation 4119190 (VCV004119190.2).